The following is an entry in ClinVar:

NM_000023.4(SGCA):c.722G>A (p.Arg241His)

Gene: SGCA (sarcoglycan alpha; plus strand). Cytogenetic location: 17q21.33.
Variant type: single nucleotide variant.
Coding change: c.722G>A on transcript NM_000023.4 (MANE Select); coding-DNA position 722, G replaced by A.
Protein change: p.Arg241His; replaces arginine 241 with histidine.
Molecular consequence: missense variant. On other transcripts: non-coding transcript variant (1), intron variant (1).
Genome position (GRCh38, 1-based): chr17:50,169,229, G>A. VCF-style: chr17-50169229-G-A. GRCh37 (hg19) VCF-style: chr17-48246590-G-A.
Other names: c.584+657G>A (NM_001135697.3); short protein forms R241H.
Identifiers: ClinVar variation 1928226 (VCV001928226.6), dbSNP rs372772903, ClinGen allele CA8643865.

ClinVar aggregate classification (germline): Uncertain significance. Review status: criteria provided, multiple submitters, no conflicts (2 of 4 stars). 3 submissions from 3 submitters: Uncertain significance (3). Last evaluated 2025-07-02.

Conditions:
Autosomal recessive limb-girdle muscular dystrophy type 2D (LGMDR3). Also called: ADHALINOPATHY, PRIMARY; MUSCULAR DYSTROPHY, LIMB-GIRDLE, AUTOSOMAL RECESSIVE 3; DUCHENNE-LIKE AUTOSOMAL RECESSIVE MUSCULAR DYSTROPHY, TYPE 2. Identifiers: Orphanet 62, MedGen C2936332, MONDO:0011968, OMIM 608099. Disease mechanism: Affects gamma-sarcoglycan and also disrupts the integrity of the entire sarcoglycan complex..

Allele frequency attached by ClinVar (database versions not stated): TOPMed 0.00003; gnomAD 0.00005; ESP Exome Variant Server 0.00008.

Submissions (3):

GeneDx
Classification: Uncertain significance. Last evaluated: 2025-07-02. Review status: criteria provided, single submitter. Criteria: GeneDx Variant Classification Process June 2021. Collection method: clinical testing. Allele origin: germline. Affected: yes.
Comment: Not observed at significant frequency in large population cohorts (gnomAD); In silico analysis suggests that this missense variant does not alter protein structure/function; Has not been previously published as pathogenic or benign to our knowledge

Labcorp Genetics (formerly Invitae), Labcorp
Classification: Uncertain significance for Autosomal recessive limb-girdle muscular dystrophy type 2D. Last evaluated: 2022-09-01. Review status: criteria provided, single submitter. Criteria: Invitae Variant Classification Sherloc (09022015). Collection method: clinical testing. Allele origin: germline.
Comment: This sequence change replaces arginine, which is basic and polar, with histidine, which is basic and polar, at codon 241 of the SGCA protein (p.Arg241His). This variant is present in population databases (rs372772903, gnomAD 0.008%). This variant has not been reported in the literature in individuals affected with SGCA-related conditions. Algorithms developed to predict the effect of missense changes on protein structure and function output the following: SIFT: "Tolerated"; PolyPhen-2: "Benign"; Align-GVGD: "Class C0". The histidine amino acid residue is found in multiple mammalian species, which suggests that this missense change does not adversely affect protein function. In summary, the available evidence is currently insufficient to determine the role of this variant in disease. Therefore, it has been classified as a Variant of Uncertain Significance.

Revvity Omics, Revvity
Classification: Uncertain significance for Autosomal recessive limb-girdle muscular dystrophy type 2D. Last evaluated: 2019-12-03. Review status: criteria provided, single submitter. Criteria: ACMG Guidelines, 2015. Collection method: clinical testing. Allele origin: germline.